The following is an entry in ClinVar:

ClinVar aggregate classification (germline): Uncertain significance (1 of 4 stars; one submission).

Conditions:
Inborn genetic diseases. Identifiers: MedGen C0950123, MeSH D030342.

Submission:

Ambry Genetics
Classification: Uncertain significance for Inborn genetic diseases. Last evaluated: 2024-05-17. Review status: criteria provided, single submitter. Criteria: Ambry Variant Classification Scheme 2023. Collection method: clinical testing. Allele origin: germline.
Comment: The p.K754R variant (also known as c.2261A>G), located in coding exon 14 of the EPAS1 gene, results from an A to G substitution at nucleotide position 2261. The lysine at codon 754 is replaced by arginine, an amino acid with highly similar properties. This amino acid position is conserved. In addition, this alteration is predicted to be tolerated by in silico analysis. Based on the available evidence, the clinical significance of this variant remains unclear.

NM_001430.5(EPAS1):c.2261A>G (p.Lys754Arg)

Gene: EPAS1 (endothelial PAS domain protein 1; plus strand). Cytogenetic location: 2p21.
Variant type: single nucleotide variant.
Coding change: c.2261A>G on transcript NM_001430.5 (MANE Select); coding-DNA position 2261, A replaced by G.
Protein change: p.Lys754Arg; replaces lysine 754 with arginine.
Molecular consequence: missense variant.
Genome position (GRCh38, 1-based): chr2:46,382,063, A>G. VCF-style: chr2-46382063-A-G. GRCh37 (hg19) VCF-style: chr2-46609202-A-G.
Other names: short protein forms K754R.
Identifiers: ClinVar variation 3275722 (VCV003275722.1).